The following is an entry in ClinVar:

NM_000094.4(COL7A1):c.4408C>G (p.Arg1470Gly)

Gene: COL7A1 (collagen type VII alpha 1 chain; minus strand). Cytogenetic location: 3p21.31.
Variant type: single nucleotide variant.
Coding change: c.4408C>G on transcript NM_000094.4 (MANE Select); coding-DNA position 4408, C replaced by G.
Protein change: p.Arg1470Gly; replaces arginine 1470 with glycine.
Molecular consequence: missense variant.
Genome position (GRCh38, 1-based): chr3:48,583,422, G>C on the plus strand (C>G on the coding strand, the complement: COL7A1 is on the minus strand). VCF-style: chr3-48583422-G-C. GRCh37 (hg19) VCF-style: chr3-48620855-G-C.
Other names: short protein forms R1470G.
Identifiers: ClinVar variation 1404099 (VCV001404099.5), dbSNP rs769297158, ClinGen allele CA2380046.

ClinVar aggregate classification (germline): Uncertain significance (1 of 4 stars; one submission).

gnomAD v4.1: 2 of 1,614,044 alleles (0.00012%); highest among the groups gnomAD compares: Non-Finnish European, 0.00017%; no homozygotes.

Submission:

Labcorp Genetics (formerly Invitae), Labcorp
Classification: Uncertain significance. Last evaluated: 2022-02-10. Review status: criteria provided, single submitter. Criteria: Invitae Variant Classification Sherloc (09022015). Collection method: clinical testing. Allele origin: germline.
Comment: This sequence change replaces arginine, which is basic and polar, with glycine, which is neutral and non-polar, at codon 1470 of the COL7A1 protein (p.Arg1470Gly). This variant is present in population databases (rs769297158, gnomAD 0.0009%). This variant has not been reported in the literature in individuals affected with COL7A1-related conditions. Algorithms developed to predict the effect of missense changes on protein structure and function are either unavailable or do not agree on the potential impact of this missense change (SIFT: "Deleterious"; PolyPhen-2: "Not Available"; Align-GVGD: "Class C0"). In summary, the available evidence is currently insufficient to determine the role of this variant in disease. Therefore, it has been classified as a Variant of Uncertain Significance.